The following is an entry in ClinVar:

NM_032242.4(PLXNA1):c.3983C>A (p.Ala1328Asp)

Gene: PLXNA1 (plexin A1; plus strand). Cytogenetic location: 3q21.3.
Variant type: single nucleotide variant.
Coding change: c.3983C>A on transcript NM_032242.4 (MANE Select); coding-DNA position 3983, C replaced by A.
Protein change: p.Ala1328Asp; replaces alanine 1328 with aspartic acid.
Molecular consequence: missense variant.
Genome position (GRCh38, 1-based): chr3:127,020,289, C>A. VCF-style: chr3-127020289-C-A. GRCh37 (hg19) VCF-style: chr3-126739132-C-A.
Other names: short protein forms A1328D.
Identifiers: ClinVar variation 4998682 (VCV004998682.1).
Genomic context (GRCh38, chr3:127,020,289, plus strand): 5'-ACGAGCTGACCAATGACCTGGACGGTGCCGGCATCCCCTTCCTTGACTACCGGACATATG[C>A]CATGCGGGTGCTCTTTCCTGGGATCGAGGACCACCCTGTGCTCAAGGAGATGGAGGTAGG-3'
Protein context (NP_115618.3, residues 1318-1338): GIPFLDYRTY[Ala1328Asp]MRVLFPGIED

ClinVar aggregate classification (germline): Uncertain significance (1 of 4 stars; one submission).

Conditions:
PLXNA1-related disorder. Also called: PLXNA1-related condition.

Submission:

PreventionGenetics, part of Exact Sciences
Classification: Uncertain significance for PLXNA1-related condition. Last evaluated: 2025-04-02. Review status: criteria provided, single submitter. Criteria: ACMG Guidelines, 2015. Collection method: clinical testing. Allele origin: germline.
Comment: The PLXNA1 c.3983C>A variant is predicted to result in the amino acid substitution p.Ala1328Asp. To our knowledge, this variant has not been reported in the literature or in a large population database (gnomAD), indicating this variant is rare. At this time, the clinical significance of this variant is uncertain due to the absence of conclusive functional and genetic evidence.